The following is an entry in ClinVar:

ClinVar aggregate classification (germline): Uncertain significance (1 of 4 stars; one submission).

Submission:

Ambry Genetics
Classification: Uncertain significance. Last evaluated: 2024-05-07. Review status: criteria provided, single submitter. Criteria: Ambry Variant Classification Scheme 2023. Collection method: clinical testing. Allele origin: germline.
Comment: The p.N897D variant (also known as c.2689A>G), located in coding exon 1 of the MLH3 gene, results from an A to G substitution at nucleotide position 2689. The asparagine at codon 897 is replaced by aspartic acid, an amino acid with highly similar properties. This amino acid position is conserved. In addition, this alteration is predicted to be tolerated by in silico analysis. Based on the available evidence, the clinical significance of this variant remains unclear.

NM_001040108.2(MLH3):c.2689A>G (p.Asn897Asp)

Gene: MLH3 (mutL homolog 3; minus strand). Cytogenetic location: 14q24.3.
Variant type: single nucleotide variant.
Coding change: c.2689A>G on transcript NM_001040108.2 (MANE Select); coding-DNA position 2689, A replaced by G.
Protein change: p.Asn897Asp; replaces asparagine 897 with aspartic acid.
Molecular consequence: missense variant.
Genome position (GRCh38, 1-based): chr14:75,046,967, T>C on the plus strand (A>G on the coding strand, the complement: MLH3 is on the minus strand). VCF-style: chr14-75046967-T-C. GRCh37 (hg19) VCF-style: chr14-75513670-T-C.
Other names: c.2689A>G, p.Asn897Asp (NM_014381.3); short protein forms N897D.
Identifiers: ClinVar variation 3295079 (VCV003295079.1).